The following is an entry in ClinVar:

NM_005006.7(NDUFS1):c.548T>G (p.Ile183Ser)

Gene: NDUFS1 (NADH:ubiquinone oxidoreductase core subunit S1; minus strand). Cytogenetic location: 2q33.3.
Variant type: single nucleotide variant.
Coding change: c.548T>G on transcript NM_005006.7 (MANE Select); coding-DNA position 548, T replaced by G.
Protein change: p.Ile183Ser; replaces isoleucine 183 with serine.
Molecular consequence: missense variant.
Genome position (GRCh38, 1-based): chr2:206,147,534, A>C on the plus strand (T>G on the coding strand, the complement: NDUFS1 is on the minus strand). VCF-style: chr2-206147534-A-C. GRCh37 (hg19) VCF-style: chr2-207012258-A-C.
Other names: c.440T>G, p.Ile147Ser (NM_001199981.2); c.215T>G, p.Ile72Ser (NM_001199982.2); c.377T>G, p.Ile126Ser (NM_001199983.2); c.590T>G, p.Ile197Ser (NM_001199984.2); short protein forms I126S, I147S, I183S, I197S, I72S.
Identifiers: ClinVar variation 3254569 (VCV003254569.1), dbSNP rs2470066855.
Genomic context (GRCh38, chr2:206,147,534, plus strand): 5'-GTGACTATTAAGTATACAATTATATTCTATAATAGAAAAAAAAGGAAAAAAAGTTACCTG[A>C]TGCAGCGAGTACACTGTATACATCTTGTCATGATGGTCTTTACCAATGGCCCAATGTTCT-3'
Protein context (NP_004997.4, residues 173-193): MTRCIQCTRC[Ile183Ser]RFASEIAGVD

ClinVar aggregate classification (germline): Likely pathogenic. Review status: criteria provided, multiple submitters, no conflicts (2 of 4 stars). 2 submissions from 2 submitters: Likely pathogenic (2). Last evaluated 2025-11-25.

Conditions:
Mitochondrial complex I deficiency, nuclear type 5. Also called: Mitochondrial complex 1 deficiency, nuclear type 5. Identifiers: MedGen C4748754, MONDO:0032610, OMIM 618226.
Leigh syndrome (NULS). Also called: Leigh's syndrome; Leigh Disease; Subacute necrotizing encephalopathy; Necrotizing encephalopathy infantile subacute of Leigh; LEIGH SYNDROME, NUCLEAR; Leigh Syndrome (mtDNA deletion). Identifiers: Orphanet 506, MedGen C2931891, MONDO:0009723, OMIM 256000.

Submissions (2):

Keimyung University Dongsan Hospital, Keimyung University School of Medicine
Classification: Likely pathogenic for Leigh syndrome. Last evaluated: 2025-11-25. Review status: criteria provided, single submitter. Criteria: ACMG Guidelines, 2015. Collection method: clinical testing. Allele origin: germline. Inheritance: Autosomal recessive inheritance. Affected: yes. Observed: 1 heterozygote.
Comment: Classified as Likely Pathogenic based on ACMG criteria (PM2, PM3, PP3, PP4).

Victorian Clinical Genetics Services, Murdoch Childrens Research Institute
Classification: Likely pathogenic for Mitochondrial complex I deficiency, nuclear type 5. Last evaluated: 2023-07-17. Review status: criteria provided, single submitter. Criteria: ACMG Guidelines, 2015. Collection method: clinical testing. Allele origin: germline. Inheritance: Autosomal recessive inheritance. Affected: yes.
Comment: Based on the classification scheme VCGS_Germline_v1.3.4, this variant is classified as Likely Pathogenic. Following criteria are met: 0102 - Loss of function is a known mechanism of disease in this gene and is associated with mitochondrial complex I deficiency, nuclear type 5 (MIM#618226). (I) 0106 - This gene is associated with autosomal recessive disease. (I) 0200 - Variant is predicted to result in a missense amino acid change from isoleucine to serine. (I) 0251 - This variant is heterozygous. (I) 0301 - Variant is absent from gnomAD (both v2 and v3). (SP) 0501 - Missense variant consistently predicted to be damaging by multiple in silico tools or highly conserved with a major amino acid change. (SP) 0604 - Variant is not located in an established domain, motif, hotspot or informative constraint region. However, it is adjacent to the annotated iron-sulfur cluster binding sites (DECIPHER, UniProt). (I) 0705 - No comparable missense variants have previous evidence for pathogenicity. (I) 0807 - This variant has no previous evidence of pathogenicity. (I) 0905 - No published segregation evidence has been identified for this variant. (I) 1007 - No published functional evidence has been identified for this variant. (I) 1102 - Strong phenotype match for this individual. (SP) 1201 - Heterozygous variant detected in trans with a second pathogenic heterozygous variant (p.(Gly433Valfs*25)) in a recessive disease. (I) Legend: (SP) - Supporting pathogenic, (I) - Information, (SB) - Supporting benign